The following is an entry in ClinVar:

ClinVar aggregate classification (germline): Uncertain significance (1 of 4 stars; one submission).

Conditions:
X-linked chondrodysplasia punctata 1 (CDPX1). Also called: CHONDRODYSPLASIA PUNCTATA, BRACHYTELEPHALANGIC; Chondrodysplasia punctata, X-linked recessive. Identifiers: Orphanet 79345, MedGen C3669395, MONDO:0010555, OMIM 302950.

Allele frequency attached by ClinVar (database versions not stated): gnomAD exomes below 0.00001; TOPMed 0.00001.
gnomAD v4.1: 2 of 1,211,684 alleles (0.00017%); highest among the groups gnomAD compares: South Asian, 0.0018%; no homozygotes.

Submission:

ARUP Laboratories, Molecular Genetics and Genomics, ARUP Laboratories
Classification: Uncertain significance for X-linked chondrodysplasia punctata 1. Last evaluated: 2018-09-05. Review status: criteria provided, single submitter. Criteria: ARUP Molecular Germline Variant Investigation Process. Collection method: clinical testing. Allele origin: germline.
Comment: The ARSE c.684C>G; p.Ile228Met variant, to our knowledge, is not reported in the medical literature or gene specific databases. This variant is also absent from general population databases (1000 Genomes Project, Exome Variant Server, and Genome Aggregation Database), indicating it is not a common polymorphism. The isoleucine at codon 228 is weakly conserved and computational analyses (SIFT, PolyPhen-2) predict that this variant is tolerated. However, due to limited information, the clinical significance of the p.Ile228Met variant is uncertain at this time.

NM_000047.3(ARSL):c.684C>G (p.Ile228Met)

Gene: ARSL (arylsulfatase L; minus strand). Cytogenetic location: Xp22.33.
Variant type: single nucleotide variant.
Coding change: c.684C>G on transcript NM_000047.3 (MANE Select); coding-DNA position 684, C replaced by G.
Protein change: p.Ile228Met; replaces isoleucine 228 with methionine.
Molecular consequence: missense variant.
Genome position (GRCh38, 1-based): chrX:2,949,474, G>C on the plus strand (C>G on the coding strand, the complement: ARSL is on the minus strand). VCF-style: chrX-2949474-G-C. GRCh37 (hg19) VCF-style: chrX-2867515-G-C.
Other names: c.759C>G, p.Ile253Met (NM_001282628.2, NM_001369080.1); c.522C>G, p.Ile174Met (NM_001282631.2); c.711C>G, p.Ile237Met (NM_001369079.1); short protein forms I174M, I228M, I237M, I253M.
Identifiers: ClinVar variation 811748 (VCV000811748.8), dbSNP rs1359359899, ClinGen allele CA412280564.